The following is an entry in ClinVar:

NM_019842.4(KCNQ5):c.1277G>A (p.Arg426His)

Gene: KCNQ5 (potassium voltage-gated channel subfamily Q member 5; plus strand). Cytogenetic location: 6q13.
Variant type: single nucleotide variant.
Coding change: c.1277G>A on transcript NM_019842.4 (MANE Select); coding-DNA position 1277, G replaced by A.
Protein change: p.Arg426His; replaces arginine 426 with histidine.
Molecular consequence: missense variant. On other transcripts: intron variant (1).
Genome position (GRCh38, 1-based): chr6:73,133,450, G>A. VCF-style: chr6-73133450-G-A. GRCh37 (hg19) VCF-style: chr6-73843173-G-A.
Other names: c.1250G>A, p.Arg417His (NM_001160130.2); c.1307G>A, p.Arg436His (NM_001160132.2); c.1334G>A, p.Arg445His (NM_001160133.2); c.1247+8938G>A (NM_001160134.2); short protein forms R417H, R436H, R426H, R445H.
Identifiers: ClinVar variation 1393559 (VCV001393559.6), dbSNP rs771827882, ClinGen allele CA364828102.
Genomic context (GRCh38, chr6:73,133,450, plus strand): 5'-AATGGAATAATCATGCCTCTGTTCTCCACAGTCAGAAGCTAAGTTTTAAGGAGCGAGTGC[G>A]CATGGCTAGCCCCAGGGGCCAGAGTATTAAGAGCCGACAAGCCTCAGTAGGTGACAGGAG-3'
Protein context (NP_062816.2, residues 416-436): SQKLSFKERV[Arg426His]MASPRGQSIK

ClinVar aggregate classification (germline): Uncertain significance (1 of 4 stars; one submission).

gnomAD v4.1: 2 of 1,613,998 alleles (0.00012%); highest among the groups gnomAD compares: Non-Finnish European, 0.000085%; no homozygotes.

Submission:

Labcorp Genetics (formerly Invitae), Labcorp
Classification: Uncertain significance. Last evaluated: 2021-08-26. Review status: criteria provided, single submitter. Criteria: Invitae Variant Classification Sherloc (09022015). Collection method: clinical testing. Allele origin: germline.
Comment: In summary, the available evidence is currently insufficient to determine the role of this variant in disease. Therefore, it has been classified as a Variant of Uncertain Significance. Advanced modeling of protein sequence and biophysical properties (such as structural, functional, and spatial information, amino acid conservation, physicochemical variation, residue mobility, and thermodynamic stability) performed at Invitae indicates that this missense variant is expected to disrupt KCNQ5 protein function. This variant has not been reported in the literature in individuals affected with KCNQ5-related conditions. This variant is not present in population databases (ExAC no frequency). This sequence change replaces arginine with histidine at codon 445 of the KCNQ5 protein (p.Arg445His). The arginine residue is highly conserved and there is a small physicochemical difference between arginine and histidine.